The following is an entry in ClinVar:

ClinVar aggregate classification (germline): Uncertain significance (1 of 4 stars; one submission).

gnomAD v4.1: 67 of 1,593,218 alleles (0.0042%); highest among the groups gnomAD compares: Middle Eastern, 0.017%; no homozygotes.

Submission:

CeGaT Center for Human Genetics Tuebingen
Classification: Uncertain significance. Last evaluated: 2026-07-01. Review status: criteria provided, single submitter. Criteria: CeGaT Center For Human Genetics Tuebingen Variant Classification Criteria Version 2. Collection method: clinical testing. Allele origin: germline. Affected: yes. Observed: 1 variant allele.
Comment: HERC2: PM2, BP4

NM_004667.6(HERC2):c.543-4G>T

Gene: HERC2 (HECT and RLD domain containing E3 ubiquitin protein ligase 2; minus strand). Cytogenetic location: 15q13.1.
Variant type: single nucleotide variant.
Coding change: c.543-4G>T on transcript NM_004667.6 (MANE Select); 4 bases into the intron before coding-DNA position 543, G replaced by T.
Molecular consequence: intron variant.
Genome position (GRCh38, 1-based): chr15:28,275,009, C>A on the plus strand (G>T on the coding strand, the complement: HERC2 is on the minus strand). VCF-style: chr15-28275009-C-A. GRCh37 (hg19) VCF-style: chr15-28520155-C-A.
Identifiers: ClinVar variation 5039428 (VCV005039428.1).
Genomic context (GRCh38, chr15:28,275,009, plus strand): 5'-GCCGCTCGGGATCCCACTCTGGCGAGCCCCTCCACACCTTTGCCCGCAGGCCGGGAACTG[C>A]AGACGACACACACGGAACATACAACCAGTCAGCAGCAGAGGGTGCAGATACTACATAAAA-3'